The following is an entry in ClinVar:

NM_003919.3(SGCE):c.175_183del (p.Val59_Val61del)

Genes: CASD1 (CAS1 domain containing 1; plus strand), SGCE (sarcoglycan epsilon; minus strand). Cytogenetic location: 7q21.3.
Variant type: Deletion.
Coding change: c.175_183del on transcript NM_003919.3 (MANE Select); coding-DNA positions 175 to 183, 9 bases deleted (GTTCATGTT; older notation c.175_183delGTTCATGTT).
Protein change: p.Val59_Val61del.
Molecular consequence: inframe deletion. On other transcripts: 5 prime UTR variant (2), intron variant (2).
Genome position (GRCh38, 1-based): chr7:94,629,768-94,629,776, AACATGAAC deleted on the plus strand (GTTCATGTT on the coding strand, the reverse complement: SGCE is on the minus strand); deleting any 9 consecutive bases within chr7:94,629,768-94,629,778 gives the same sequence; the c. name uses the placement nearest the transcript's 3' end. VCF-style (leftmost placement, unchanged base first): chr7-94629767-AAACATGAAC-A. GRCh37 (hg19) VCF-style: chr7-94259079-AAACATGAAC-A.
Other names: c.175_183del, p.Val59_Val61del (NM_001099400.2, NM_001099401.2, NM_001346717.2); c.283_291del, p.Val95_Val97del (NM_001346713.2, NM_001346715.2); c.88_96del, p.Val30_Val32del (NM_001346719.2, NM_001362807.2); c.-99_-91del (NM_001346720.2, NM_001362808.2); c.110-1417_110-1409del (NM_001362809.2, NM_001301139.2).
Identifiers: ClinVar variation 3776398 (VCV003776398.1).

ClinVar aggregate classification (germline): Uncertain significance (1 of 4 stars; one submission).

Submission:

GeneDx
Classification: Uncertain significance. Last evaluated: 2024-10-02. Review status: criteria provided, single submitter. Criteria: GeneDx Variant Classification Process June 2021. Collection method: clinical testing. Allele origin: germline. Affected: yes.
Comment: Not observed at significant frequency in large population cohorts (gnomAD); In-frame deletion of 3 amino acids in a non-repeat region; In silico analysis indicates that this variant does not alter protein structure/function; Has not been previously published as pathogenic or benign to our knowledge